The following is an entry in ClinVar:

ClinVar aggregate classification (germline): Uncertain significance (1 of 4 stars; one submission).

Conditions:
Osteogenesis imperfecta type I (OI1). Also called: OI, TYPE I; OSTEOGENESIS IMPERFECTA TARDA; OSTEOGENESIS IMPERFECTA WITH BLUE SCLERAE; Osteogenesis imperfecta type 1; Lobstein's Disease; Lobstein disease. Identifiers: Orphanet 216796, Orphanet 666, MedGen C0023931, MONDO:0008146, OMIM 166200. Disease mechanism: loss of function.

Submission:

Laboratory of Genetic Skeletal Anomaly, Seoul National University Children's Hospital
Classification: Uncertain significance for Osteogenesis imperfecta type I. Last evaluated: 2025-03-01. Review status: criteria provided, single submitter. Criteria: ACMG Guidelines, 2015. Collection method: research. Allele origin: germline. Affected: yes.
Comment: This variant is a novel variant not previously reported in the literature or population databases. It was classified based on available in silico predictions and absence from gnomAD.

NM_000088.4(COL1A1):c.574C>T (p.Pro192Ser)

Gene: COL1A1 (collagen type I alpha 1 chain; minus strand). Cytogenetic location: 17q21.33.
Variant type: single nucleotide variant.
Coding change: c.574C>T on transcript NM_000088.4 (MANE Select); coding-DNA position 574, C replaced by T.
Protein change: p.Pro192Ser; replaces proline 192 with serine.
Molecular consequence: missense variant.
Genome position (GRCh38, 1-based): chr17:50,198,175, G>A on the plus strand (C>T on the coding strand, the complement: COL1A1 is on the minus strand). VCF-style: chr17-50198175-G-A. GRCh37 (hg19) VCF-style: chr17-48275536-G-A.
Other names: short protein forms P192S.
Identifiers: ClinVar variation 4280716 (VCV004280716.1).